The following is an entry in ClinVar:

NM_001849.4(COL6A2):c.1560C>G (p.Pro520=)

Gene: COL6A2 (collagen type VI alpha 2 chain; plus strand). Cytogenetic location: 21q22.3.
Variant type: single nucleotide variant.
Coding change: c.1560C>G on transcript NM_001849.4 (MANE Select); coding-DNA position 1560, C replaced by G.
Protein change: p.Pro520=; no amino-acid change (proline 520 retained).
Molecular consequence: synonymous variant.
Genome position (GRCh38, 1-based): chr21:46,122,146, C>G. VCF-style: chr21-46122146-C-G. GRCh37 (hg19) VCF-style: chr21-47542060-C-G.
Other names: c.1560C>G, p.Pro520= (NM_058174.3, NM_058175.3).
Identifiers: ClinVar variation 285087 (VCV000285087.28), dbSNP rs112197239, ClinGen allele CA10071975.

ClinVar aggregate classification (germline): Benign/Likely benign. Review status: criteria provided, multiple submitters, no conflicts (2 of 4 stars). 8 submissions from 8 submitters: Benign (2); Likely benign (4). 2 of the submissions do not count toward it. Last evaluated 2026-04-01.

Conditions:
Collagen 6-related myopathy. Identifiers: MedGen CN117976, MONDO:0100225.
Bethlem myopathy 1A. Also called: Bethlem myopathy 1; Bethlem Muscular Dystrophy; MYOPATHY, BENIGN CONGENITAL, WITH CONTRACTURES. Identifiers: Orphanet 610, MedGen CN029274, MONDO:0024530, OMIM 158810.

Allele frequency attached by ClinVar (database versions not stated): ExAC 0.00050; 1000 Genomes Project 30x 0.00125; 1000 Genomes Project 0.00140; gnomAD 0.00147 and 0.00156; ESP Exome Variant Server 0.00169; TOPMed 0.00199.
gnomAD v4.1: 544 of 1,612,688 alleles (0.034%); highest among the groups gnomAD compares: African/African-American, 0.52%; 4 homozygotes.

Submissions (8):

CeGaT Center for Human Genetics Tuebingen
Classification: Likely benign. Last evaluated: 2026-04-01. Review status: criteria provided, single submitter. Criteria: CeGaT Center For Human Genetics Tuebingen Variant Classification Criteria Version 2. Collection method: clinical testing. Allele origin: germline. Affected: yes. Observed: 2 variant alleles.
Comment: COL6A2: BP4, BP7

Labcorp Genetics (formerly Invitae), Labcorp
Classification: Benign for Bethlem myopathy 1A. Last evaluated: 2026-01-12. Review status: criteria provided, single submitter. Criteria: Invitae Variant Classification Sherloc (09022015). Collection method: clinical testing. Allele origin: germline.

Blueprint Genetics
Classification: Likely benign. Last evaluated: 2024-07-30. Review status: criteria provided, single submitter. Criteria: ACMG Guidelines, 2015. Collection method: clinical testing. Allele origin: germline.

GeneDx
Classification: Likely benign. Last evaluated: 2021-04-28. Review status: criteria provided, single submitter. Criteria: GeneDx Variant Classification Process June 2021. Collection method: clinical testing. Allele origin: germline. Affected: yes.

Illumina Laboratory Services, Illumina
Classification: Benign for Collagen VI-related myopathy. Last evaluated: 2018-01-13. Review status: criteria provided, single submitter. Criteria: ICSL Variant Classification Criteria 13 December 2019. Collection method: clinical testing. Allele origin: germline.
Comment: This variant was observed in the ICSL laboratory as part of a predisposition screen in an ostensibly healthy population. It had not been previously curated by ICSL or reported in the Human Gene Mutation Database (HGMD: prior to June 1st, 2018), and was therefore a candidate for classification through an automated scoring system. Utilizing variant allele frequency, disease prevalence and penetrance estimates, and inheritance mode, an automated score was calculated to assess if this variant is too frequent to cause the disease. Based on the score and internal cut-off values, a variant classified as benign is not then subjected to further curation. The score for this variant resulted in a classification of benign for this disease.

Eurofins Ntd Llc (ga)
Classification: Likely benign. Last evaluated: 2015-12-22. Review status: criteria provided, single submitter. Criteria: EGL Classification Definitions 2015. Collection method: clinical testing. Allele origin: germline. Observed: 1 variant allele, 1 heterozygote.

Clinical Genetics DNA and cytogenetics Diagnostics Lab, Erasmus MC, Erasmus Medical Center
Classification: Likely benign. Review status: no assertion criteria provided. Collection method: clinical testing. Allele origin: germline. Affected: yes. Study: VKGL Data-share Consensus. Not counted in ClinVar's aggregate classification.

Laboratory of Diagnostic Genome Analysis, Leiden University Medical Center (LUMC)
Classification: Likely benign. Review status: no assertion criteria provided. Collection method: clinical testing. Allele origin: germline. Affected: yes. Study: VKGL Data-share Consensus. Not counted in ClinVar's aggregate classification.